The following is an entry in ClinVar:

NM_000059.4(BRCA2):c.9800dup (p.Arg3268fs)

Gene: BRCA2 (BRCA2 DNA repair associated; plus strand). Cytogenetic location: 13q13.1.
Variant type: Duplication.
Coding change: c.9800dup on transcript NM_000059.4 (MANE Select); coding-DNA position 9800, one base duplicated (A; older notation c.9800dupA).
Protein change: p.Arg3268fs; shifts the reading frame from arginine 3268.
Molecular consequence: frameshift variant.
Genome position (GRCh38, 1-based): chr13:32,398,313, A duplicated; the last of 5 consecutive A bases (chr13:32,398,309-32,398,313); duplicating any one gives the same sequence. VCF-style (leftmost placement, unchanged base first): chr13-32398308-C-CA. GRCh37 (hg19) VCF-style: chr13-32972445-C-CA.
Other names: c.9800dupA (NM_000059.3); short protein forms R3268fs.
Identifiers: ClinVar variation 988390 (VCV000988390.29), dbSNP rs1566261027, ClinGen allele CA1139663204.

ClinVar aggregate classification (germline): Pathogenic. Review status: criteria provided, multiple submitters, no conflicts (2 of 4 stars). 4 submissions from 4 submitters: Pathogenic (3). 1 of the submissions does not count toward it. Last evaluated 2024-03-19.

Conditions:
Hereditary cancer-predisposing syndrome. Also called: Tumor predisposition; Hereditary neoplastic syndrome; Neoplastic Syndromes, Hereditary; Hereditary Cancer Syndrome. Identifiers: Orphanet 140162, MedGen C0027672, MeSH D009386, MONDO:0015356.
Hereditary breast ovarian cancer syndrome. Also called: Hereditary breast and ovarian cancer; Hereditary breast and/or ovarian cancer syndrome; Hereditary breast and ovarian cancer syndrome; Hereditary breast and ovarian cancer syndrome (HBOC); Breast and ovarian cancer; BRCA1- and BRCA2-Associated Hereditary Breast and Ovarian Cancer. Identifiers: Orphanet 145, MedGen C0677776, MeSH D061325, MONDO:0003582. Disease mechanism: loss of function.
Breast-ovarian cancer, familial, susceptibility to, 2 (BROVCA2). Also called: BRCA2 Hereditary Breast and Ovarian Cancer. Identifiers: Orphanet 145, MedGen C2675520, MONDO:0012933, OMIM 612555. Disease mechanism: loss of function.

Submissions (4):

Labcorp Genetics (formerly Invitae), Labcorp
Classification: Pathogenic for Hereditary breast ovarian cancer syndrome. Last evaluated: 2024-03-19. Review status: criteria provided, single submitter. Criteria: Invitae Variant Classification Sherloc (09022015). Collection method: clinical testing. Allele origin: germline.
Comment: This sequence change creates a premature translational stop signal (p.Arg3268Glufs*9) in the BRCA2 gene. While this is not anticipated to result in nonsense mediated decay, it is expected to disrupt the last 151 amino acid(s) of the BRCA2 protein. This variant is not present in population databases (gnomAD no frequency). This variant has not been reported in the literature in individuals affected with BRCA2-related conditions. ClinVar contains an entry for this variant (Variation ID: 988390). This variant disrupts a region of the BRCA2 protein in which other variant(s) (p.Tyr3308*) have been determined to be pathogenic (PMID: 18593900, 18607349). This suggests that this is a clinically significant region of the protein, and that variants that disrupt it are likely to be disease-causing. For these reasons, this variant has been classified as Pathogenic.

Ambry Genetics
Classification: Pathogenic for Hereditary cancer-predisposing syndrome. Last evaluated: 2021-09-14. Review status: criteria provided, single submitter. Criteria: Ambry Variant Classification Scheme 2023. Collection method: clinical testing. Allele origin: germline.
Comment: The c.9800dupA pathogenic mutation, located in coding exon 26 of the BRCA2 gene, results from a duplication of A at nucleotide position 9800, causing a translational frameshift with a predicted alternate stop codon (p.R3268Efs*9). This alteration occurs at the 3' terminus of the BRCA2 gene, is not expected to trigger nonsense-mediated mRNA decay, and only impacts the last 143 amino acids of the protein. However, premature stop codons are typically deleterious in nature and the impacted region is critical for protein function (Ambry internal data; Kuznetsov SG et al. Nat. Med. 2008 Aug;14:875-81; Hucl T et al. Cancer Res. 2008 Jul;68:5023-30). This alteration is expected to result in loss of function by premature protein truncation. As such, this alteration is interpreted as a disease-causing mutation.

Clinical Genetics and Genomics, Karolinska University Hospital
Classification: Pathogenic. Last evaluated: 2018-06-01. Review status: criteria provided, single submitter. Criteria: ACMG Guidelines, 2015. Collection method: clinical testing. Allele origin: germline. Affected: yes. Observed: 2 variant alleles.

BRCAlab, Lund University
Classification: Pathogenic for Breast-ovarian cancer, familial, susceptibility to, 2. Last evaluated: 2022-08-26. Review status: no assertion criteria provided. Collection method: clinical testing. Allele origin: germline. Affected: yes. Not counted in ClinVar's aggregate classification.

Literature cited by the submitters: PubMed 18593900 (cited by Labcorp Genetics (formerly Invitae), Labcorp and Ambry Genetics); PubMed 18607349 (cited by Labcorp Genetics (formerly Invitae), Labcorp and Ambry Genetics).